The following is an entry in ClinVar:

ClinVar aggregate classification (germline): Uncertain significance (1 of 4 stars; one submission).

Submission:

Ambry Genetics
Classification: Uncertain significance. Last evaluated: 2023-05-02. Review status: criteria provided, single submitter. Criteria: Ambry Variant Classification Scheme 2023. Collection method: clinical testing. Allele origin: germline.
Comment: The p.L2086S variant (also known as c.6257T>C), located in coding exon 20 of the POLQ gene, results from a T to C substitution at nucleotide position 6257. The leucine at codon 2086 is replaced by serine, an amino acid with dissimilar properties. This amino acid position is conserved. In addition, this alteration is predicted to be tolerated by in silico analysis. Since supporting evidence is limited at this time, the clinical significance of this alteration remains unclear.

NM_199420.4(POLQ):c.6257T>C (p.Leu2086Ser)

Gene: POLQ (DNA polymerase theta; minus strand). Cytogenetic location: 3q13.33.
Variant type: single nucleotide variant.
Coding change: c.6257T>C on transcript NM_199420.4 (MANE Select); coding-DNA position 6257, T replaced by C.
Protein change: p.Leu2086Ser; replaces leucine 2086 with serine.
Molecular consequence: missense variant.
Genome position (GRCh38, 1-based): chr3:121,476,688, A>G on the plus strand (T>C on the coding strand, the complement: POLQ is on the minus strand). VCF-style: chr3-121476688-A-G. GRCh37 (hg19) VCF-style: chr3-121195535-A-G.
Other names: short protein forms L2086S.
Identifiers: ClinVar variation 2563822 (VCV002563822.2), dbSNP rs2546777247, ClinGen allele CA354087100.